The following is an entry in ClinVar:

ClinVar aggregate classification (germline): Uncertain significance. Review status: criteria provided, multiple submitters, no conflicts (2 of 4 stars). 2 submissions from 2 submitters: Uncertain significance (2). Last evaluated 2025-11-11.

Conditions:
Febrile seizures, familial, 11 (FEB11). Also called: CONVULSIONS, FAMILIAL FEBRILE, 11. Identifiers: MedGen C3280734, MONDO:0024566, OMIM 614418.

Allele frequency attached by ClinVar (database versions not stated): gnomAD 0.00004; gnomAD exomes 0.00004 and 0.00002; TOPMed 0.00004; ExAC 0.00004.

Submissions (2):

Ambry Genetics
Classification: Uncertain significance. Last evaluated: 2025-11-11. Review status: criteria provided, single submitter. Criteria: Ambry Variant Classification Scheme 2023. Collection method: clinical testing. Allele origin: germline.

Labcorp Genetics (formerly Invitae), Labcorp
Classification: Uncertain significance for Febrile seizures, familial, 11. Last evaluated: 2021-08-27. Review status: criteria provided, single submitter. Criteria: Invitae Variant Classification Sherloc (09022015). Collection method: clinical testing. Allele origin: germline.
Comment: This sequence change replaces glutamine with arginine at codon 125 of the CPA6 protein (p.Gln125Arg). The glutamine residue is moderately conserved and there is a small physicochemical difference between glutamine and arginine. This variant is present in population databases (rs200114239, ExAC 0.007%). This variant has not been reported in the literature in individuals affected with CPA6-related conditions. Algorithms developed to predict the effect of missense changes on protein structure and function output the following: SIFT: "Tolerated"; PolyPhen-2: "Benign"; Align-GVGD: "Class C0". The arginine amino acid residue is found in multiple mammalian species, which suggests that this missense change does not adversely affect protein function. In summary, the available evidence is currently insufficient to determine the role of this variant in disease. Therefore, it has been classified as a Variant of Uncertain Significance.

NM_020361.5(CPA6):c.374A>G (p.Gln125Arg)

Gene: CPA6 (carboxypeptidase A6; minus strand). Cytogenetic location: 8q13.2.
Variant type: single nucleotide variant.
Coding change: c.374A>G on transcript NM_020361.5 (MANE Select); coding-DNA position 374, A replaced by G.
Protein change: p.Gln125Arg; replaces glutamine 125 with arginine.
Molecular consequence: missense variant.
Genome position (GRCh38, 1-based): chr8:67,511,599, T>C on the plus strand (A>G on the coding strand, the complement: CPA6 is on the minus strand). VCF-style: chr8-67511599-T-C. GRCh37 (hg19) VCF-style: chr8-68423834-T-C.
Other names: short protein forms Q125R.
Identifiers: ClinVar variation 968474 (VCV000968474.7), dbSNP rs200114239, ClinGen allele CA4772994.
Genomic context (GRCh38, chr8:67,511,599, plus strand): 5'-ACTTCTTCTAAGGAGTGATAAACTTCATAATTATATCCAGAGAGGGATCTTCGGTTTCTC[T>C]GGGTGTGCAAGCTGCTTCCCTTCTCCAGTGTTTTCTGAAGATCTTCTATGAGGACCCTGA-3'
Protein context (NP_065094.3, residues 115-135): TLEKGSSLHT[Gln125Arg]RNRRSLSGYN